The following is an entry in ClinVar:

NM_001540.5(HSPB1):c.532G>A (p.Glu178Lys)

Gene: HSPB1 (heat shock protein family B (small) member 1; plus strand). Cytogenetic location: 7q11.23.
Variant type: single nucleotide variant.
Coding change: c.532G>A on transcript NM_001540.5 (MANE Select); coding-DNA position 532, G replaced by A.
Protein change: p.Glu178Lys; replaces glutamic acid 178 with lysine.
Molecular consequence: missense variant.
Genome position (GRCh38, 1-based): chr7:76,304,087, G>A. VCF-style: chr7-76304087-G-A. GRCh37 (hg19) VCF-style: chr7-75933404-G-A.
Other names: short protein forms E178K.
Identifiers: ClinVar variation 4761022 (VCV004761022.1).

ClinVar aggregate classification (germline): Uncertain significance (1 of 4 stars; one submission).

Conditions:
Charcot-Marie-Tooth disease axonal type 2F (CMT2F). Also called: CHARCOT-MARIE-TOOTH DISEASE, NEURONAL, TYPE 2F; Charcot-Marie-Tooth Neuropathy Type 2F. Identifiers: Orphanet 99940, MedGen C1847823, MONDO:0011687, OMIM 606595.

Submission:

Labcorp Genetics (formerly Invitae), Labcorp
Classification: Uncertain significance for Charcot-Marie-Tooth disease axonal type 2F. Last evaluated: 2026-01-08. Review status: criteria provided, single submitter. Criteria: Invitae Variant Classification Sherloc (09022015). Collection method: clinical testing. Allele origin: germline.
Comment: This sequence change replaces glutamic acid, which is acidic and polar, with lysine, which is basic and polar, at codon 178 of the HSPB1 protein (p.Glu178Lys). This variant is present in population databases (rs150110356, gnomAD 0.003%). This variant has not been reported in the literature in individuals affected with HSPB1-related conditions. Invitae Evidence Modeling of protein sequence and biophysical properties (such as structural, functional, and spatial information, amino acid conservation, physicochemical variation, residue mobility, and thermodynamic stability) indicates that this missense variant is expected to disrupt HSPB1 protein function with a positive predictive value of 80%. In summary, the available evidence is currently insufficient to determine the role of this variant in disease. Therefore, it has been classified as a Variant of Uncertain Significance.